The following is an entry in ClinVar:

NM_012154.5(AGO2):c.1269+4C>T

Gene: AGO2 (argonaute RISC catalytic component 2; minus strand). Cytogenetic location: 8q24.3.
Variant type: single nucleotide variant.
Coding change: c.1269+4C>T on transcript NM_012154.5 (MANE Select); 4 bases into the intron after coding-DNA position 1269, C replaced by T.
Molecular consequence: intron variant.
Genome position (GRCh38, 1-based): chr8:140,555,892, G>A on the plus strand (C>T on the coding strand, the complement: AGO2 is on the minus strand). VCF-style: chr8-140555892-G-A. GRCh37 (hg19) VCF-style: chr8-141565991-G-A.
Other names: c.1269+4C>T (NM_001164623.3).
Identifiers: ClinVar variation 709179 (VCV000709179.28), dbSNP rs75134171, ClinGen allele CA4894478.

ClinVar aggregate classification (germline): Likely benign. Review status: criteria provided, multiple submitters, no conflicts (2 of 4 stars). 3 submissions from 3 submitters: Likely benign (3). Last evaluated 2025-10-01.

Allele frequency attached by ClinVar (database versions not stated): 1000 Genomes Project 30x 0.00078; 1000 Genomes Project 0.00100; gnomAD 0.00159; gnomAD exomes 0.00190; ExAC 0.00196; ESP Exome Variant Server 0.00254; TOPMed 0.00392.
gnomAD v4.1: 5,468 of 1,612,758 alleles (0.34%); highest among the groups gnomAD compares: Non-Finnish European, 0.43%; 19 homozygotes.

Submissions (3):

CeGaT Center for Human Genetics Tuebingen
Classification: Likely benign. Last evaluated: 2025-10-01. Review status: criteria provided, single submitter. Criteria: CeGaT Center For Human Genetics Tuebingen Variant Classification Criteria Version 2. Collection method: clinical testing. Allele origin: germline. Affected: yes. Observed: 6 variant alleles.
Comment: AGO2: BP4, BS2

Labcorp Genetics (formerly Invitae), Labcorp
Classification: Likely benign. Last evaluated: 2018-07-21. Review status: criteria provided, single submitter. Criteria: Invitae Variant Classification Sherloc (09022015). Collection method: clinical testing. Allele origin: germline.

Breakthrough Genomics
Classification: Likely benign. Review status: criteria provided, single submitter. Criteria: ACMG Guidelines, 2015. Collection method: not provided. Allele origin: germline. Inheritance: Autosomal dominant inheritance. Affected: yes.